The following is an entry in ClinVar:

NM_016122.3(CEP83):c.1132C>T (p.Arg378Cys)

Gene: CEP83 (centrosomal protein 83; minus strand). Cytogenetic location: 12q22.
Variant type: single nucleotide variant.
Coding change: c.1132C>T on transcript NM_016122.3 (MANE Select); coding-DNA position 1132, C replaced by T.
Protein change: p.Arg378Cys; replaces arginine 378 with cysteine.
Molecular consequence: missense variant. On other transcripts: non-coding transcript variant (1).
Genome position (GRCh38, 1-based): chr12:94,368,118, G>A on the plus strand (C>T on the coding strand, the complement: CEP83 is on the minus strand). VCF-style: chr12-94368118-G-A. GRCh37 (hg19) VCF-style: chr12-94761894-G-A.
Other names: c.1132C>T, p.Arg378Cys (NM_001042399.2, NM_001346457.2, NM_001368037.1 and 1 more transcripts); c.820C>T, p.Arg274Cys (NM_001346458.2, NM_001346459.2, NM_001368039.1 and 1 more transcripts); c.907C>T, p.Arg303Cys (NM_001368041.1); short protein forms R274C, R303C, R378C.
Identifiers: ClinVar variation 1061490 (VCV001061490.6), dbSNP rs373382478, ClinGen allele CA6721745.

ClinVar aggregate classification (germline): Uncertain significance (1 of 4 stars; one submission).

Conditions:
Nephronophthisis 18 (NPHP18). Identifiers: Orphanet 655, MedGen C3890591, MONDO:0014374, OMIM 615862.

Allele frequency attached by ClinVar (database versions not stated): TOPMed 0.00001; gnomAD 0.00002; gnomAD exomes 0.00002 and 0.00004; ExAC 0.00004; ESP Exome Variant Server 0.00017.
gnomAD v4.1: 31 of 1,612,608 alleles (0.0019%); highest among the groups gnomAD compares: Non-Finnish European, 0.0024%; no homozygotes.

Submission:

Labcorp Genetics (formerly Invitae), Labcorp
Classification: Uncertain significance for Nephronophthisis 18. Last evaluated: 2024-10-22. Review status: criteria provided, single submitter. Criteria: Invitae Variant Classification Sherloc (09022015). Collection method: clinical testing. Allele origin: germline.
Comment: This sequence change replaces arginine, which is basic and polar, with cysteine, which is neutral and slightly polar, at codon 378 of the CEP83 protein (p.Arg378Cys). This variant is present in population databases (rs373382478, gnomAD 0.006%). This variant has not been reported in the literature in individuals affected with CEP83-related conditions. ClinVar contains an entry for this variant (Variation ID: 1061490). Invitae Evidence Modeling of protein sequence and biophysical properties (such as structural, functional, and spatial information, amino acid conservation, physicochemical variation, residue mobility, and thermodynamic stability) indicates that this missense variant is expected to disrupt CEP83 protein function with a positive predictive value of 80%. In summary, the available evidence is currently insufficient to determine the role of this variant in disease. Therefore, it has been classified as a Variant of Uncertain Significance.